The following is an entry in ClinVar:

ClinVar aggregate classification (germline): Uncertain significance (1 of 4 stars; one submission).

Allele frequency attached by ClinVar (database versions not stated): gnomAD exomes below 0.00001.
gnomAD v4.1: 1 of 1,573,052 alleles (0.000064%); highest among the groups gnomAD compares: Non-Finnish European, 0.000086%; no homozygotes.

Submission:

Ambry Genetics
Classification: Uncertain significance. Last evaluated: 2024-07-28. Review status: criteria provided, single submitter. Criteria: Ambry Variant Classification Scheme 2023. Collection method: clinical testing. Allele origin: germline.
Comment: The p.K961E variant (also known as c.2881A>G), located in coding exon 16 of the POLQ gene, results from an A to G substitution at nucleotide position 2881. The lysine at codon 961 is replaced by glutamic acid, an amino acid with similar properties. This amino acid position is conserved. In addition, this alteration is predicted to be tolerated by in silico analysis. Since supporting evidence is limited at this time, the clinical significance of this alteration remains unclear.

NM_199420.4(POLQ):c.2881A>G (p.Lys961Glu)

Gene: POLQ (DNA polymerase theta; minus strand). Cytogenetic location: 3q13.33.
Variant type: single nucleotide variant.
Coding change: c.2881A>G on transcript NM_199420.4 (MANE Select); coding-DNA position 2881, A replaced by G.
Protein change: p.Lys961Glu; replaces lysine 961 with glutamic acid.
Molecular consequence: missense variant.
Genome position (GRCh38, 1-based): chr3:121,490,050, T>C on the plus strand (A>G on the coding strand, the complement: POLQ is on the minus strand). VCF-style: chr3-121490050-T-C. GRCh37 (hg19) VCF-style: chr3-121208897-T-C.
Other names: short protein forms K961E.
Identifiers: ClinVar variation 1797178 (VCV001797178.3), dbSNP rs2546788079, ClinGen allele CA354104119.